The following is an entry in ClinVar:

NM_001852.4(COL9A2):c.335T>G (p.Leu112Arg)

Genes: COL9A2 (collagen type IX alpha 2 chain; minus strand), LOC129930257 (ATAC-STARR-seq lymphoblastoid active region 840; plus strand). Cytogenetic location: 1p34.2.
Variant type: single nucleotide variant.
Coding change: c.335T>G on transcript NM_001852.4 (MANE Select); coding-DNA position 335, T replaced by G.
Protein change: p.Leu112Arg; replaces leucine 112 with arginine.
Molecular consequence: missense variant.
Genome position (GRCh38, 1-based): chr1:40,312,578, A>C on the plus strand (T>G on the coding strand, the complement: COL9A2 is on the minus strand). VCF-style: chr1-40312578-A-C. GRCh37 (hg19) VCF-style: chr1-40778250-A-C.
Other names: short protein forms L112R.
Identifiers: ClinVar variation 1149450 (VCV001149450.17), dbSNP rs143008970, ClinGen allele CA792011.
Genomic context (GRCh38, chr1:40,312,578, plus strand): 5'-TCTGCAGGTCCCCTCTCCCCCAAGAGTCCCTCGAAGCCCTTGCAGGTTGTACTCACCGGA[A>C]GGCCAGGAGGACCAGGAAGCCCGGGCTGGCCCTGCAGAAGCAACGAGAAAGGCTCAGAGG-3'
Protein context (NP_001843.1, residues 102-122): GQPGLPGPPG[Leu112Arg]PGPGFAGPPG

ClinVar aggregate classification (germline): Conflicting classifications of pathogenicity. Review status: criteria provided, conflicting classifications (1 of 4 stars). 4 submissions from 4 submitters: Uncertain significance (2); Likely benign (2). Last evaluated 2026-08-13.

Conditions:
COL9A2-related disorder. Also called: COL9A2-related condition.

Allele frequency attached by ClinVar (database versions not stated): gnomAD exomes 0.00004 and 0.00011; ExAC 0.00011; ESP Exome Variant Server 0.00038; gnomAD 0.00047 and 0.00051; TOPMed 0.00053.
gnomAD v4.1: 135 of 1,613,936 alleles (0.0084%); highest among the groups gnomAD compares: African/African-American, 0.16%; no homozygotes.

Submissions (4):

PreventionGenetics, part of Exact Sciences
Classification: Uncertain significance for COL9A2-related condition. Last evaluated: 2026-08-13. Review status: criteria provided, single submitter. Criteria: ACMG Guidelines, 2015. Collection method: clinical testing. Allele origin: germline.
Comment: The COL9A2 c.335T>G variant is predicted to result in the amino acid substitution p.Leu112Arg. To our knowledge, this variant has not been reported in the literature. This variant is reported in 0.15% of alleles in individuals of African descent in gnomAD. At this time, the clinical significance of this variant is uncertain due to the absence of conclusive functional and genetic evidence.

Labcorp Genetics (formerly Invitae), Labcorp
Classification: Likely benign. Last evaluated: 2025-12-14. Review status: criteria provided, single submitter. Criteria: Invitae Variant Classification Sherloc (09022015). Collection method: clinical testing. Allele origin: germline.

Blueprint Genetics
Classification: Likely benign. Last evaluated: 2024-08-20. Review status: criteria provided, single submitter. Criteria: ACMG Guidelines, 2015. Collection method: clinical testing. Allele origin: germline.

GeneDx
Classification: Uncertain significance. Last evaluated: 2024-02-14. Review status: criteria provided, single submitter. Criteria: GeneDx Variant Classification Process June 2021. Collection method: clinical testing. Allele origin: germline. Affected: yes.
Comment: Has not been previously published as pathogenic or benign to our knowledge; In silico analysis supports that this missense variant does not alter protein structure/function